The following is an entry in ClinVar:

NM_004186.5(SEMA3F):c.1773C>T (p.His591=)

Gene: SEMA3F (semaphorin 3F; plus strand). Cytogenetic location: 3p21.31.
Variant type: single nucleotide variant.
Coding change: c.1773C>T on transcript NM_004186.5 (MANE Select); coding-DNA position 1773, C replaced by T.
Protein change: p.His591=; no amino-acid change (histidine 591 retained).
Molecular consequence: synonymous variant.
Genome position (GRCh38, 1-based): chr3:50,186,308, C>T. VCF-style: chr3-50186308-C-T. GRCh37 (hg19) VCF-style: chr3-50223741-C-T.
Other names: c.1476C>T, p.His492= (NM_001318798.2); c.1680C>T, p.His560= (NM_001318800.2).
Identifiers: ClinVar variation 3054975 (VCV003054975.2), dbSNP rs148897173, ClinGen allele CA2412225.
Genomic context (GRCh38, chr3:50,186,308, plus strand): 5'-GGGAGCACTCCTTCAGGGGCTATCCTCATCCAGGCGGAGCCGCCGGCAGGACGTCCGGCA[C>T]GGAAACCCCATCAGGCAGTGCCGTGGGTTCAACTCCAATGGTGAGTATGCTGGGCCTCAC-3'
Protein context (NP_004177.3, residues 581-601): KRRSRRQDVR[His591=]GNPIRQCRGF

ClinVar aggregate classification (germline): Likely benign (0 of 4 stars; one submission).

Conditions:
SEMA3F-related disorder. Also called: SEMA3F-related condition.

Allele frequency attached by ClinVar (database versions not stated): gnomAD exomes 0.00006; ExAC 0.00013; 1000 Genomes Project 30x 0.00016; 1000 Genomes Project 0.00020; ESP Exome Variant Server 0.00023; gnomAD 0.00026; TOPMed 0.00031.
gnomAD v4.1: 138 of 1,613,836 alleles (0.0086%); highest among the groups gnomAD compares: African/African-American, 0.056%; 1 homozygote.

Submission:

PreventionGenetics, part of Exact Sciences
Classification: Likely benign for SEMA3F-related condition. Last evaluated: 2021-09-14. Review status: no assertion criteria provided. Collection method: clinical testing. Allele origin: germline.
Comment: This variant is classified as likely benign based on ACMG/AMP sequence variant interpretation guidelines (Richards et al. 2015 PMID: 25741868, with internal and published modifications).